The following is an entry in ClinVar:

ClinVar aggregate classification (germline): Uncertain significance. Review status: criteria provided, multiple submitters, no conflicts (2 of 4 stars). 4 submissions from 4 submitters: Uncertain significance (4). Last evaluated 2025-11-13.

Conditions:
Hereditary cancer-predisposing syndrome. Also called: Neoplastic Syndromes, Hereditary; Tumor predisposition; Hereditary neoplastic syndrome; Hereditary Cancer Syndrome. Identifiers: Orphanet 140162, MedGen C0027672, MeSH D009386, MONDO:0015356.
Familial adenomatous polyposis 2. Also called: COLORECTAL ADENOMATOUS POLYPOSIS, AUTOSOMAL RECESSIVE; ADENOMAS, MULTIPLE COLORECTAL, AUTOSOMAL RECESSIVE; MUTYH-associated polyposis; FAP type 2; MUTYH-related attenuated familial adenomatous polyposis; Adenomas, multiple colorectal. Identifiers: Orphanet 220460, Orphanet 247798, MedGen C3272841, MONDO:0012041, OMIM 608456.

Allele frequency attached by ClinVar (database versions not stated): gnomAD exomes below 0.00001 and 0.00002; TOPMed below 0.00001; ExAC 0.00001.
gnomAD v4.1: 16 of 1,614,118 alleles (0.00099%); highest among the groups gnomAD compares: Non-Finnish European, 0.0014%; no homozygotes.

Submissions (4):

Labcorp Genetics (formerly Invitae), Labcorp
Classification: Uncertain significance for Familial adenomatous polyposis 2. Last evaluated: 2025-11-13. Review status: criteria provided, single submitter. Criteria: Invitae Variant Classification Sherloc (09022015). Collection method: clinical testing. Allele origin: germline.
Comment: This sequence change falls in intron 5 of the MUTYH gene. It does not directly change the encoded amino acid sequence of the MUTYH protein. It affects a nucleotide within the consensus splice site. This variant is present in population databases (rs770203030, gnomAD 0.0009%). This variant has not been reported in the literature in individuals affected with MUTYH-related conditions. ClinVar contains an entry for this variant (Variation ID: 464723). Variants that disrupt the consensus splice site are a relatively common cause of aberrant splicing (PMID: 17576681, 9536098). Studies have shown that this variant is associated with inconclusive levels of altered splicing (internal data). In summary, the available evidence is currently insufficient to determine the role of this variant in disease. Therefore, it has been classified as a Variant of Uncertain Significance.

Ambry Genetics
Classification: Uncertain significance for Hereditary cancer-predisposing syndrome. Last evaluated: 2025-10-29. Review status: criteria provided, single submitter. Criteria: Ambry Variant Classification Scheme 2023. Collection method: clinical testing. Allele origin: germline.
Comment: The c.463-3T>C intronic variant results from a T to C substitution 3 nucleotides upstream from coding exon 6 in the MUTYH gene. This nucleotide position is not well conserved in available vertebrate species. In silico splice site analysis predicts that this alteration will not have any significant effect on splicing; however, direct evidence is insufficient at this time (Ambry internal data). Based on the available evidence, the clinical significance of this variant remains unclear.

All of Us Research Program, National Institutes of Health
Classification: Uncertain significance for Familial adenomatous polyposis 2. Last evaluated: 2023-08-15. Review status: criteria provided, single submitter. Criteria: ACMG Guidelines, 2015. Collection method: clinical testing. Allele origin: germline. Inheritance: Autosomal recessive inheritance. Observed: 1 variant allele, 1 heterozygote.
Comment: This variant causes a T to C nucleotide substitution at the -3 position of intron 5 of the MUTYH gene. To our knowledge, RNA studies have not been reported for this variant. This variant has not been reported in individuals affected with MUTYH-related disorders in the literature. This variant has been identified in 1/250382 chromosomes in the general population by the Genome Aggregation Database (gnomAD). The available evidence is insufficient to determine the role of this variant in disease conclusively. Therefore, this variant is classified as a Variant of Uncertain Significance.

This study involves interpretation of variants in research participants for the purpose of population health screening. Participant phenotype was not available at the time of variant classification. Additional details can be found in publication PMID: 35346344, PMCID: PMC8962531

Color Diagnostics, LLC DBA Color Health
Classification: Uncertain significance for Hereditary cancer-predisposing syndrome. Last evaluated: 2023-07-26. Review status: criteria provided, single submitter. Criteria: ACMG Guidelines, 2015. Collection method: clinical testing. Allele origin: germline.
Comment: This variant causes a T to C nucleotide substitution at the -3 position of intron 5 of the MUTYH gene. To our knowledge, RNA studies have not been reported for this variant. This variant has not been reported in individuals affected with MUTYH-related disorders in the literature. This variant has been identified in 1/250382 chromosomes in the general population by the Genome Aggregation Database (gnomAD). The available evidence is insufficient to determine the role of this variant in disease conclusively. Therefore, this variant is classified as a Variant of Uncertain Significance.

Literature cited by the submitters: PubMed 17576681 (cited by Labcorp Genetics (formerly Invitae), Labcorp); PubMed 9536098 (cited by Labcorp Genetics (formerly Invitae), Labcorp).

NM_001048174.2(MUTYH):c.379-3T>C

Gene: MUTYH (mutY DNA glycosylase; minus strand). Cytogenetic location: 1p34.1.
Variant type: single nucleotide variant.
Coding change: c.379-3T>C on transcript NM_001048174.2 (MANE Select); 3 bases into the intron before coding-DNA position 379, T replaced by C.
Molecular consequence: intron variant.
Genome position (GRCh38, 1-based): chr1:45,332,962, A>G on the plus strand (T>C on the coding strand, the complement: MUTYH is on the minus strand). VCF-style: chr1-45332962-A-G. GRCh37 (hg19) VCF-style: chr1-45798634-A-G.
Other names: c.34-3T>C (NM_001350651.2, NM_001350650.2); c.103-3T>C (NM_001293192.2, NM_001293196.2); c.379-3T>C (NM_001048171.2, NM_001048173.2, NM_001293195.2); c.424-3T>C (NM_001293190.2); c.454-3T>C (NM_012222.3); c.463-3T>C (NM_001128425.2); c.382-3T>C (NM_001048172.2); c.412-3T>C (NM_001293191.2).
Identifiers: ClinVar variation 464723 (VCV000464723.17), dbSNP rs770203030, ClinGen allele CA057909.